The following is an entry in ClinVar:

NM_004360.5(CDH1):c.1597C>G (p.Leu533Val)

Gene: CDH1 (cadherin 1; plus strand). Cytogenetic location: 16q22.1.
Variant type: single nucleotide variant.
Coding change: c.1597C>G on transcript NM_004360.5 (MANE Select); coding-DNA position 1597, C replaced by G.
Protein change: p.Leu533Val; replaces leucine 533 with valine.
Molecular consequence: missense variant. On other transcripts: intron variant (1).
Genome position (GRCh38, 1-based): chr16:68,819,311, C>G. VCF-style: chr16-68819311-C-G. GRCh37 (hg19) VCF-style: chr16-68853214-C-G.
Other names: c.1414C>G, p.Leu472Val (NM_001317184.2); c.49C>G, p.Leu17Val (NM_001317185.2); c.-254-2690C>G (NM_001317186.2); short protein forms L17V, L472V, L533V.
Identifiers: ClinVar variation 1776027 (VCV001776027.3), dbSNP rs2152136803, ClinGen allele CA396464980.

ClinVar aggregate classification (germline): Uncertain significance (1 of 4 stars; one submission).

Conditions:
Hereditary cancer-predisposing syndrome. Also called: Neoplastic Syndromes, Hereditary; Tumor predisposition; Hereditary Cancer Syndrome; Hereditary neoplastic syndrome. Identifiers: Orphanet 140162, MedGen C0027672, MeSH D009386, MONDO:0015356.

Submission:

Ambry Genetics
Classification: Uncertain significance for Hereditary cancer-predisposing syndrome. Last evaluated: 2025-05-22. Review status: criteria provided, single submitter. Criteria: Ambry Variant Classification Scheme 2023. Collection method: clinical testing. Allele origin: germline.
Comment: The p.L533V variant (also known as c.1597C>G), located in coding exon 11 of the CDH1 gene, results from a C to G substitution at nucleotide position 1597. The leucine at codon 533 is replaced by valine, an amino acid with highly similar properties. This amino acid position is highly conserved in available vertebrate species. In addition, this alteration is predicted to be tolerated by in silico analysis. Based on the available evidence, the clinical significance of this variant remains unclear.